The following is an entry in ClinVar:

ClinVar aggregate classification (germline): Likely benign (1 of 4 stars; one submission).

Conditions:
Growth delay due to insulin-like growth factor I resistance. Also called: Somatomedin end-organ insensitivity to; Somatomedin-c resistance to; IGF-1 resistance; IGF-I RESISTANCE; Insulin-Like Growth Factor I Resistance. Identifiers: Orphanet 73273, MedGen C1849157, MONDO:0010038, OMIM 270450.

Allele frequency attached by ClinVar (database versions not stated): TOPMed 0.00009; gnomAD 0.00011 and 0.00014; gnomAD exomes 0.00013; 1000 Genomes Project 30x 0.00062; 1000 Genomes Project 0.00080.
gnomAD v4.1: 34 of 229,648 alleles (0.015%); highest among the groups gnomAD compares: Middle Eastern, 0.13%; no homozygotes.

Submission:

Illumina Laboratory Services, Illumina
Classification: Likely benign for Growth delay due to insulin-like growth factor I resistance. Last evaluated: 2018-01-13. Review status: criteria provided, single submitter. Criteria: ICSL Variant Classification Criteria 13 December 2019. Collection method: clinical testing. Allele origin: germline.
Comment: This variant was observed in the ICSL laboratory as part of a predisposition screen in an ostensibly healthy population. It had not been previously curated by ICSL or reported in the Human Gene Mutation Database (HGMD: prior to June 1st, 2018), and was therefore a candidate for classification through an automated scoring system. Utilizing variant allele frequency, disease prevalence and penetrance estimates, and inheritance mode, an automated score was calculated to assess if this variant is too frequent to cause the disease. Based on the score and internal cut-off values, a variant classified as likely benign is not then subjected to further curation. The score for this variant resulted in a classification of likely benign for this disease.

NM_000875.5(IGF1R):c.*6942C>T

Gene: IGF1R (insulin like growth factor 1 receptor; plus strand). Cytogenetic location: 15q26.3.
Variant type: single nucleotide variant.
Coding change: c.*6942C>T on transcript NM_000875.5 (MANE Select); 6942 bases downstream of the stop codon, C replaced by T.
Molecular consequence: 3 prime UTR variant.
Genome position (GRCh38, 1-based): chr15:98,964,384, C>T. VCF-style: chr15-98964384-C-T. GRCh37 (hg19) VCF-style: chr15-99507613-C-T.
Other names: c.*6942C>T (NM_001291858.2).
Identifiers: ClinVar variation 886347 (VCV000886347.4), dbSNP rs535420513, ClinGen allele CA275343298.